The following is an entry in ClinVar:

NM_000548.5(TSC2):c.4069A>C (p.Ile1357Leu)

Gene: TSC2 (TSC complex subunit 2; plus strand). Cytogenetic location: 16p13.3.
Variant type: single nucleotide variant.
Coding change: c.4069A>C on transcript NM_000548.5 (MANE Select); coding-DNA position 4069, A replaced by C.
Protein change: p.Ile1357Leu; replaces isoleucine 1357 with leucine.
Molecular consequence: missense variant.
Genome position (GRCh38, 1-based): chr16:2,084,291, A>C. VCF-style: chr16-2084291-A-C. GRCh37 (hg19) VCF-style: chr16-2134292-A-C.
Other names: c.3868A>C, p.Ile1290Leu (NM_001077183.3); c.4000A>C, p.Ile1334Leu (NM_001114382.3); c.3760A>C, p.Ile1254Leu (NM_001318827.2); c.3724A>C, p.Ile1242Leu (NM_001318829.2); c.3337A>C, p.Ile1113Leu (NM_001318831.2); c.3901A>C, p.Ile1301Leu (NM_001318832.2); c.3871A>C, p.Ile1291Leu (NM_001363528.2); c.3937A>C, p.Ile1313Leu (NM_001370404.1); and 1 more; short protein forms I1357L, I1113L, I1301L, I1313L, I1242L, I1290L, I1254L, I1291L.
Identifiers: ClinVar variation 535992 (VCV000535992.19), dbSNP rs1555513920, ClinGen allele CA394299395.

ClinVar aggregate classification (germline): Conflicting classifications of pathogenicity. Review status: criteria provided, conflicting classifications (1 of 4 stars). 7 submissions from 7 submitters: Uncertain significance (4); Benign (1); Likely benign (2). Last evaluated 2026-04-03.

Conditions:
Hereditary cancer-predisposing syndrome. Also called: Tumor predisposition; Hereditary neoplastic syndrome; Neoplastic Syndromes, Hereditary; Hereditary Cancer Syndrome. Identifiers: Orphanet 140162, MedGen C0027672, MeSH D009386, MONDO:0015356.
Tuberous sclerosis syndrome (TSC). Also called: Tuberous Sclerosis Complex; Tuberous sclerosis. Identifiers: Orphanet 805, MedGen C0041341, MONDO:0001734.
Tuberous sclerosis 2 (TSC2). Identifiers: Orphanet 805, MedGen C1860707, MONDO:0013199, OMIM 613254.

Allele frequency attached by ClinVar (database versions not stated): gnomAD exomes 0.00004; gnomAD 0.00001.
gnomAD v4.1: 22 of 1,612,502 alleles (0.0014%); highest among the groups gnomAD compares: East Asian, 0.049%; no homozygotes.

Submissions (7):

Ambry Genetics
Classification: Likely benign for Hereditary cancer-predisposing syndrome. Last evaluated: 2026-04-03. Review status: criteria provided, single submitter. Criteria: Ambry Variant Classification Scheme 2023. Collection method: clinical testing. Allele origin: germline.

Labcorp Genetics (formerly Invitae), Labcorp
Classification: Benign for Tuberous sclerosis 2. Last evaluated: 2026-01-27. Review status: criteria provided, single submitter. Criteria: Invitae Variant Classification Sherloc (09022015). Collection method: clinical testing. Allele origin: germline.

Myriad Genetics, Inc.
Classification: Likely benign for Tuberous sclerosis 2. Last evaluated: 2025-03-11. Review status: criteria provided, single submitter. Criteria: Myriad Autosomal Dominant, Autosomal Recessive and X-Linked Classification Criteria (2023). Collection method: clinical testing. Allele origin: unknown.
Comment: This variant is considered likely benign. Homozygosity has been confirmed in one or more individuals. As homozygosity for pathogenic variants in this gene is generally assumed to result in embryonic lethality, this variant is unlikely to be pathogenic.

All of Us Research Program, National Institutes of Health
Classification: Uncertain significance for Tuberous sclerosis syndrome. Last evaluated: 2023-04-27. Review status: criteria provided, single submitter. Criteria: ACMG Guidelines, 2015. Collection method: clinical testing. Allele origin: germline. Inheritance: Autosomal dominant inheritance. Observed: 2 variant alleles, 2 heterozygotes.
Comment: This missense variant replaces isoleucine with leucine at codon 1357 of the TSC2 protein. Computational prediction suggests that this variant may not impact protein structure and function (internally defined REVEL score threshold <= 0.5, PMID: 27666373). To our knowledge, functional studies have not been reported for this variant. This variant has not been reported in individuals affected with tuberous sclerosis complex in the literature. This variant has not been identified in the general population by the Genome Aggregation Database (gnomAD). The available evidence is insufficient to determine the role of this variant in disease conclusively. Therefore, this variant is classified as a Variant of Uncertain Significance.

This study involves interpretation of variants in research participants for the purpose of population health screening. Participant phenotype was not available at the time of variant classification. Additional details can be found in publication PMID: 35346344, PMCID: PMC8962531

GeneDx
Classification: Uncertain significance. Last evaluated: 2022-01-03. Review status: criteria provided, single submitter. Criteria: GeneDx Variant Classification Process June 2021. Collection method: clinical testing. Allele origin: germline. Affected: yes.
Comment: Not observed at significant frequency in large population cohorts (gnomAD); In silico analysis supports that this missense variant does not alter protein structure/function; Has not been previously published as pathogenic or benign to our knowledge

Genome-Nilou Lab
Classification: Uncertain significance for Tuberous sclerosis 2. Last evaluated: 2021-11-07. Review status: criteria provided, single submitter. Criteria: ACMG Guidelines, 2015. Collection method: clinical testing. Allele origin: germline. Affected: no.

Division of Genomic Medicine, Department of Advanced Medicine, Medical Research Institute, Kanazawa Medical University
Classification: Uncertain significance for Tuberous sclerosis 2. Last evaluated: 2020-07-10. Review status: criteria provided, single submitter. Criteria: ACMG Guidelines, 2015. Collection method: clinical testing. Allele origin: germline. Affected: yes. Observed: 1 variant allele.